The following is an entry in ClinVar:

ClinVar aggregate classification (germline): Uncertain significance. Review status: criteria provided, multiple submitters, no conflicts (2 of 4 stars). 2 submissions from 2 submitters: Uncertain significance (2). Last evaluated 2026-09-21.

Allele frequency attached by ClinVar (database versions not stated): gnomAD 0.00003; gnomAD exomes 0.00001.
gnomAD v4.1: 19 of 1,613,894 alleles (0.0012%); highest among the groups gnomAD compares: Middle Eastern, 0.016%; no homozygotes.

Submissions (2):

GeneDx
Classification: Uncertain significance. Last evaluated: 2026-09-21. Review status: criteria provided, single submitter. Criteria: GeneDx Variant Classification Process June 2021. Collection method: clinical testing. Allele origin: germline.
Comment: In silico analysis supports that this missense variant has a deleterious effect on protein structure/function; Has not been previously published as pathogenic or benign to our knowledge

Labcorp Genetics (formerly Invitae), Labcorp
Classification: Uncertain significance. Last evaluated: 2022-03-22. Review status: criteria provided, single submitter. Criteria: Invitae Variant Classification Sherloc (09022015). Collection method: clinical testing. Allele origin: germline.
Comment: This sequence change replaces arginine, which is basic and polar, with cysteine, which is neutral and slightly polar, at codon 974 of the MYO18B protein (p.Arg974Cys). This variant is present in population databases (no rsID available, gnomAD 0.01%). This variant has not been reported in the literature in individuals affected with MYO18B-related conditions. Algorithms developed to predict the effect of missense changes on protein structure and function are either unavailable or do not agree on the potential impact of this missense change (SIFT: "Not Available"; PolyPhen-2: "Probably Damaging"; Align-GVGD: "Not Available"). In summary, the available evidence is currently insufficient to determine the role of this variant in disease. Therefore, it has been classified as a Variant of Uncertain Significance.

NM_032608.7(MYO18B):c.2920C>T (p.Arg974Cys)

Gene: MYO18B (myosin XVIIIB; plus strand). Cytogenetic location: 22q12.1.
Variant type: single nucleotide variant.
Coding change: c.2920C>T on transcript NM_032608.7 (MANE Select); coding-DNA position 2920, C replaced by T.
Protein change: p.Arg974Cys; replaces arginine 974 with cysteine.
Molecular consequence: missense variant.
Genome position (GRCh38, 1-based): chr22:25,828,909, C>T. VCF-style: chr22-25828909-C-T. GRCh37 (hg19) VCF-style: chr22-26224876-C-T.
Other names: c.2920C>T, p.Arg974Cys (NM_001318245.2); c.2920C>T (NM_032608.5); short protein forms R974C.
Identifiers: ClinVar variation 1513057 (VCV001513057.5), dbSNP rs1352786218, ClinGen allele CA411000584.
Genomic context (GRCh38, chr22:25,828,909, plus strand): 5'-CACCAGGGCAAGGACCGGGCGGCCACCTTTGAGGAGCTGTGCCACAACTACGCCCATGAG[C>T]GCCTGCAGCTGCTGTTCTACCAGCGGACCTTTGTCTCCACGCTACAGCGATATCAAGAGG-3'
Protein context (NP_115997.5, residues 964-984): EELCHNYAHE[Arg974Cys]LQLLFYQRTF